The following is an entry in ClinVar:

NM_017780.4(CHD7):c.5797G>A (p.Ala1933Thr)

Gene: CHD7 (chromodomain helicase DNA binding protein 7; plus strand). Cytogenetic location: 8q12.2.
Variant type: single nucleotide variant.
Coding change: c.5797G>A on transcript NM_017780.4 (MANE Select); coding-DNA position 5797, G replaced by A.
Protein change: p.Ala1933Thr; replaces alanine 1933 with threonine.
Molecular consequence: missense variant. On other transcripts: intron variant (1).
Genome position (GRCh38, 1-based): chr8:60,852,150, G>A. VCF-style: chr8-60852150-G-A. GRCh37 (hg19) VCF-style: chr8-61764709-G-A.
Other names: c.5797G>A (NM_017780.2, NM_017780.3); c.1717-10079G>A (NM_001316690.1); short protein forms A1933T.
Identifiers: ClinVar variation 1430312 (VCV001430312.10), dbSNP rs1418642683, ClinGen allele CA371322935.
Genomic context (GRCh38, chr8:60,852,150, plus strand): 5'-CTGCGCCGGCTCATTACTGCCTATCAGCGCAGCTATAAAAGGCAACAGATGAGGCAAGAG[G>A]CCCTAATGAAGACTGACCGGCGCAGACGGCGGCCTCGAGAGGAAGTGAGAGCTCTGGAAG-3'
Protein context (NP_060250.2, residues 1923-1943): SYKRQQMRQE[Ala1933Thr]LMKTDRRRRR

ClinVar aggregate classification (germline): Uncertain significance. Review status: criteria provided, multiple submitters, no conflicts (2 of 4 stars). 3 submissions from 3 submitters: Uncertain significance (3). Last evaluated 2025-01-27.

Conditions:
Inborn genetic diseases. Identifiers: MedGen C0950123, MeSH D030342.
CHARGE syndrome (CHARGE). Also called: Coloboma, heart anomaly, choanal atresia, retardation, genital and ear anomalies; CHARGE association; Hall-Hittner syndrome; Hittner Hirsch Kreh syndrome; CHARGE ASSOCIATION--COLOBOMA, HEART ANOMALY, CHOANAL ATRESIA, RETARDATION, GENITAL AND EAR ANOMALIES. Identifiers: Orphanet 138, MedGen C0265354, MONDO:0008965.

Allele frequency attached by ClinVar (database versions not stated): gnomAD 0.00001; gnomAD exomes 0.00001; TOPMed 0.00001.
gnomAD v4.1: 16 of 1,613,906 alleles (0.00099%); highest among the groups gnomAD compares: Non-Finnish European, 0.0013%; no homozygotes.

Submissions (3):

Ambry Genetics
Classification: Uncertain significance for Inborn genetic diseases. Last evaluated: 2025-01-27. Review status: criteria provided, single submitter. Criteria: Ambry Variant Classification Scheme 2023. Collection method: clinical testing. Allele origin: germline.

Labcorp Genetics (formerly Invitae), Labcorp
Classification: Uncertain significance for CHARGE syndrome. Last evaluated: 2024-05-10. Review status: criteria provided, single submitter. Criteria: Invitae Variant Classification Sherloc (09022015). Collection method: clinical testing. Allele origin: germline.
Comment: This sequence change replaces alanine, which is neutral and non-polar, with threonine, which is neutral and polar, at codon 1933 of the CHD7 protein (p.Ala1933Thr). This variant is not present in population databases (gnomAD no frequency). This variant has not been reported in the literature in individuals affected with CHD7-related conditions. ClinVar contains an entry for this variant (Variation ID: 1430312). Advanced modeling of protein sequence and biophysical properties (such as structural, functional, and spatial information, amino acid conservation, physicochemical variation, residue mobility, and thermodynamic stability) has been performed at Invitae for this missense variant, however the output from this modeling did not meet the statistical confidence thresholds required to predict the impact of this variant on CHD7 protein function. In summary, the available evidence is currently insufficient to determine the role of this variant in disease. Therefore, it has been classified as a Variant of Uncertain Significance.

GeneDx
Classification: Uncertain significance. Last evaluated: 2024-05-07. Review status: criteria provided, single submitter. Criteria: GeneDx Variant Classification Process June 2021. Collection method: clinical testing. Allele origin: germline. Affected: yes.
Comment: Not observed at significant frequency in large population cohorts (gnomAD); In silico analysis indicates that this missense variant does not alter protein structure/function; Has not been previously published as pathogenic or benign to our knowledge